The following is an entry in ClinVar:

NM_001126108.2(SLC12A3):c.*1978T>G

Gene: SLC12A3 (solute carrier family 12 member 3; plus strand). Cytogenetic location: 16q13.
Variant type: single nucleotide variant.
Coding change: c.*1978T>G on transcript NM_001126108.2 (MANE Select); 1978 bases downstream of the stop codon, T replaced by G.
Molecular consequence: 3 prime UTR variant.
Genome position (GRCh38, 1-based): chr16:56,915,383, T>G. VCF-style: chr16-56915383-T-G. GRCh37 (hg19) VCF-style: chr16-56949295-T-G.
Other names: c.*1978T>G (NM_000339.3, NM_001126107.2).
Identifiers: ClinVar variation 885524 (VCV000885524.4), dbSNP rs147734763, ClinGen allele CA281527993.
Genomic context (GRCh38, chr16:56,915,383, plus strand): 5'-GAATTTAGAAGGAGATCTGAAGTCTCCTTTCTGGAGTTACAACCCAAAGGATGTTAGCAT[T>G]TCTCAGGTCATCCCACTGCAAAGCCCAGAAGGCTTGGGGCTCCCAGGCTGCTCTGAAGCC-3'

ClinVar aggregate classification (germline): Likely benign (1 of 4 stars; one submission).

Conditions:
Familial hypokalemia-hypomagnesemia (GTLMNS). Also called: HYPOMAGNESEMIA-HYPOKALEMIA, PRIMARY RENOTUBULAR, WITH HYPOCALCIURIA; POTASSIUM AND MAGNESIUM DEPLETION; gitelman syndrome. Identifiers: Orphanet 358, MedGen C0268450, MONDO:0009904, OMIM 263800.

Allele frequency attached by ClinVar (database versions not stated): gnomAD 0.00279 and 0.00294; 1000 Genomes Project 30x 0.00297; TOPMed 0.00313; 1000 Genomes Project 0.00379.

Submission:

Illumina Laboratory Services, Illumina
Classification: Likely benign for Familial hypokalemia-hypomagnesemia. Last evaluated: 2017-05-27. Review status: criteria provided, single submitter. Criteria: ICSL Variant Classification Criteria 13 December 2019. Collection method: clinical testing. Allele origin: germline.
Comment: This variant was observed as part of a predisposition screen in an ostensibly healthy population. A literature search was performed for the gene, cDNA change, and amino acid change (where applicable). No publications were found based on this search. Allele frequency data from public databases allowed determination this variant is unlikely to cause disease. Therefore, this variant is classified as likely benign.